The following is an entry in ClinVar:

NM_001256627.2(BRSK2):c.1879_1881del (p.Glu627del)

Gene: BRSK2 (BR serine/threonine kinase 2; plus strand). Cytogenetic location: 11p15.5.
Variant type: Deletion.
Coding change: c.1879_1881del on transcript NM_001256627.2 (MANE Select); coding-DNA positions 1879 to 1881, 3 bases deleted (GAG; older notation c.1879_1881delGAG).
Protein change: p.Glu627del; deletes glutamic acid 627.
Molecular consequence: inframe deletion. On other transcripts: non-coding transcript variant (1).
Genome position (GRCh38, 1-based): chr11:1,456,627-1,456,629, GAG deleted; deleting any 3 consecutive bases within chr11:1,456,626-1,456,629 gives the same sequence; the c. name uses the placement nearest the transcript's 3' end. VCF-style (leftmost placement, unchanged base first): chr11-1456625-TGGA-T. GRCh37 (hg19) VCF-style: chr11-1477855-TGGA-T.
Other names: c.1879_1881del, p.Glu627del (NM_001256629.2, NM_003957.4); c.2017_2019del, p.Glu673del (NM_001256630.1, NM_001440667.1); c.1699_1701del, p.Glu567del (NM_001282218.2, NM_001440669.1, NM_001440673.1 and 3 more transcripts); c.2311_2313del, p.Glu771del (NM_001440665.1); c.2245_2247del, p.Glu749del (NM_001440666.1); c.1945_1947del, p.Glu649del (NM_001440668.1, NM_001440670.1); c.1765_1767del, p.Glu589del (NM_001440671.1, NM_001440672.1); short protein forms E567del, E589del, E627del, E649del, E673del, E749del, E771del.
Identifiers: ClinVar variation 4076761 (VCV004076761.1).

ClinVar aggregate classification (germline): Uncertain significance (1 of 4 stars; one submission).

Submission:

GeneDx
Classification: Uncertain significance. Last evaluated: 2025-02-20. Review status: criteria provided, single submitter. Criteria: GeneDx Variant Classification Process June 2021. Collection method: clinical testing. Allele origin: germline. Affected: yes.
Comment: In-frame deletion of 1 amino acid in a non-repeat region; Not observed at significant frequency in large population cohorts (gnomAD); In silico analysis supports a deleterious effect on protein structure/function; Has not been previously published as pathogenic or benign to our knowledge